The following is an entry in ClinVar:

ClinVar aggregate classification (germline): Uncertain significance (1 of 4 stars; one submission).

Conditions:
Hereditary cancer-predisposing syndrome. Also called: Hereditary Cancer Syndrome; Tumor predisposition; Hereditary neoplastic syndrome; Neoplastic Syndromes, Hereditary. Identifiers: Orphanet 140162, MedGen C0027672, MeSH D009386, MONDO:0015356.

Submission:

Ambry Genetics
Classification: Uncertain significance for Hereditary cancer-predisposing syndrome. Last evaluated: 2024-09-18. Review status: criteria provided, single submitter. Criteria: Ambry Variant Classification Scheme 2023. Collection method: clinical testing. Allele origin: germline.
Comment: The p.P529A variant (also known as c.1585C>G), located in coding exon 9 of the MEN1 gene, results from a C to G substitution at nucleotide position 1585. The proline at codon 529 is replaced by alanine, an amino acid with highly similar properties. This amino acid position is conserved. In addition, the in silico prediction for this alteration is inconclusive. Based on the available evidence, the clinical significance of this variant remains unclear.

NM_001370259.2(MEN1):c.1585C>G (p.Pro529Ala)

Gene: MEN1 (menin 1; minus strand). Cytogenetic location: 11q13.1.
Variant type: single nucleotide variant.
Coding change: c.1585C>G on transcript NM_001370259.2 (MANE Select); coding-DNA position 1585, C replaced by G.
Protein change: p.Pro529Ala; replaces proline 529 with alanine.
Molecular consequence: missense variant. On other transcripts: non-coding transcript variant (4).
Genome position (GRCh38, 1-based): chr11:64,804,582, G>C on the plus strand (C>G on the coding strand, the complement: MEN1 is on the minus strand). VCF-style: chr11-64804582-G-C. GRCh37 (hg19) VCF-style: chr11-64572054-G-C.
Other names: c.1600C>G, p.Pro534Ala (NM_000244.4, NM_001407145.1, NM_130800.3 and 4 more transcripts); c.1711C>G, p.Pro571Ala (NM_001370251.2, NM_001407142.1, NM_001407143.1 and 1 more transcripts); c.1585C>G, p.Pro529Ala (NM_001370260.2, NM_001370261.2, NM_001407146.1 and 2 more transcripts); c.1480C>G, p.Pro494Ala (NM_001370262.2, NM_001370263.2, NM_001407148.1 and 1 more transcripts); c.1726C>G, p.Pro576Ala (NM_001407150.1); c.1606C>G, p.Pro536Ala (NM_001407151.1); c.1420C>G, p.Pro474Ala (NM_001407152.1); short protein forms P536A, P494A, P474A, P571A, P576A, P529A, P534A.
Identifiers: ClinVar variation 3394971 (VCV003394971.1).